The following is an entry in ClinVar:

NM_006891.4(CRYGD):c.252C>G (p.His84Gln)

Genes: CRYGD (crystallin gamma D; minus strand), LOC100507443 (uncharacterized LOC100507443; plus strand). Cytogenetic location: 2q33.3.
Variant type: single nucleotide variant.
Coding change: c.252C>G on transcript NM_006891.4 (MANE Select); coding-DNA position 252, C replaced by G.
Protein change: p.His84Gln; replaces histidine 84 with glutamine.
Molecular consequence: missense variant.
Genome position (GRCh38, 1-based): chr2:208,124,112, G>C on the plus strand (C>G on the coding strand, the complement: CRYGD is on the minus strand). VCF-style: chr2-208124112-G-C. GRCh37 (hg19) VCF-style: chr2-208988836-G-C.
Other names: short protein forms H84Q.
Identifiers: ClinVar variation 657292 (VCV000657292.8), dbSNP rs775032143, ClinGen allele CA350092452.

ClinVar aggregate classification (germline): Uncertain significance (1 of 4 stars; one submission).

Conditions:
Aculeiform cataract (CTRCT4). Also called: Fasciculiform cataract; Frosted cataract; Needle-shaped cataract. Identifiers: MedGen C1861832, HP:0010926.

Submission:

Labcorp Genetics (formerly Invitae), Labcorp
Classification: Uncertain significance for Aculeiform cataract. Last evaluated: 2024-09-01. Review status: criteria provided, single submitter. Criteria: Invitae Variant Classification Sherloc (09022015). Collection method: clinical testing. Allele origin: germline.
Comment: This sequence change replaces histidine, which is basic and polar, with glutamine, which is neutral and polar, at codon 84 of the CRYGD protein (p.His84Gln). This variant is not present in population databases (gnomAD no frequency). This variant has not been reported in the literature in individuals affected with CRYGD-related conditions. ClinVar contains an entry for this variant (Variation ID: 657292). An algorithm developed to predict the effect of missense changes on protein structure and function outputs the following: PolyPhen-2: "Benign". The glutamine amino acid residue is found in multiple mammalian species, which suggests that this missense change does not adversely affect protein function. In summary, the available evidence is currently insufficient to determine the role of this variant in disease. Therefore, it has been classified as a Variant of Uncertain Significance.